The following is an entry in ClinVar:

NM_173477.5(USH1G):c.916_917del (p.Leu306fs)

Gene: USH1G (USH1 protein network component sans; minus strand). Cytogenetic location: 17q25.1.
Variant type: Deletion.
Coding change: c.916_917del on transcript NM_173477.5 (MANE Select); coding-DNA positions 916 to 917, 2 bases deleted (CT; older notation c.916_917delCT).
Protein change: p.Leu306fs; shifts the reading frame from leucine 306.
Molecular consequence: frameshift variant.
Genome position (GRCh38, 1-based): chr17:74,919,919-74,919,920, AG deleted on the plus strand (CT on the coding strand, the reverse complement: USH1G is on the minus strand). VCF-style (leftmost placement, unchanged base first): chr17-74919918-CAG-C. GRCh37 (hg19) VCF-style: chr17-72916013-CAG-C.
Other names: c.607_608del, p.Leu203fs (NM_001282489.3); short protein forms L203fs, L306fs.
Identifiers: ClinVar variation 2800855 (VCV002800855.3), dbSNP rs745328900, ClinGen allele CA8753969.

ClinVar aggregate classification (germline): Pathogenic (1 of 4 stars; one submission).

Allele frequency attached by ClinVar (database versions not stated): gnomAD exomes below 0.00001; ExAC 0.00001.

Submission:

Labcorp Genetics (formerly Invitae), Labcorp
Classification: Pathogenic. Last evaluated: 2023-07-25. Review status: criteria provided, single submitter. Criteria: Invitae Variant Classification Sherloc (09022015). Collection method: clinical testing. Allele origin: germline.
Comment: For these reasons, this variant has been classified as Pathogenic. This variant has not been reported in the literature in individuals affected with USH1G-related conditions. This variant is present in population databases (rs745328900, gnomAD 0.0009%). This sequence change creates a premature translational stop signal (p.Leu306Valfs*49) in the USH1G gene. It is expected to result in an absent or disrupted protein product. Loss-of-function variants in USH1G are known to be pathogenic (PMID: 12588794, 22219650).

Literature cited by the submitters: PubMed 12588794; PubMed 22219650.